The following is an entry in ClinVar:

NM_000459.5(TEK):c.3343G>C (p.Gly1115Arg)

Gene: TEK (TEK receptor tyrosine kinase; plus strand). Cytogenetic location: 9p21.2.
Variant type: single nucleotide variant.
Coding change: c.3343G>C on transcript NM_000459.5 (MANE Select); coding-DNA position 3343, G replaced by C.
Protein change: p.Gly1115Arg; replaces glycine 1115 with arginine.
Molecular consequence: missense variant.
Genome position (GRCh38, 1-based): chr9:27,229,200, G>C. VCF-style: chr9-27229200-G-C. GRCh37 (hg19) VCF-style: chr9-27229198-G-C.
Other names: c.3214G>C, p.Gly1072Arg (NM_001290077.2); c.2899G>C, p.Gly967Arg (NM_001290078.2); c.3340G>C, p.Gly1114Arg (NM_001375475.1); c.3211G>C, p.Gly1071Arg (NM_001375476.1); short protein forms G1071R, G1072R, G1114R, G1115R, G967R.
Identifiers: ClinVar variation 4086313 (VCV004086313.3).

ClinVar aggregate classification (germline): Uncertain significance. Review status: criteria provided, multiple submitters, no conflicts (2 of 4 stars). 2 submissions from 2 submitters: Uncertain significance (2). Last evaluated 2026-01-26.

gnomAD v4.1: 1 of 1,613,858 alleles (0.000062%); highest among the groups gnomAD compares: Non-Finnish European, 0.000085%; no homozygotes.

Submissions (2):

GeneDx
Classification: Uncertain significance. Last evaluated: 2026-01-26. Review status: criteria provided, single submitter. Criteria: GeneDx Variant Classification Process June 2021. Collection method: clinical testing. Allele origin: germline.
Comment: Not observed at significant frequency in large population cohorts (gnomAD); In silico analysis supports that this missense variant has a deleterious effect on protein structure/function; Has not been previously published as pathogenic or benign to our knowledge

Labcorp Genetics (formerly Invitae), Labcorp
Classification: Uncertain significance. Last evaluated: 2025-07-22. Review status: criteria provided, single submitter. Criteria: Invitae Variant Classification Sherloc (09022015). Collection method: clinical testing. Allele origin: germline.
Comment: This sequence change replaces glycine, which is neutral and non-polar, with arginine, which is basic and polar, at codon 1115 of the TEK protein (p.Gly1115Arg). This variant is not present in population databases (gnomAD no frequency). This variant has not been reported in the literature in individuals affected with TEK-related conditions. Invitae Evidence Modeling of protein sequence and biophysical properties (such as structural, functional, and spatial information, amino acid conservation, physicochemical variation, residue mobility, and thermodynamic stability) has been performed for this missense variant. However, the output from this modeling did not meet the statistical confidence thresholds required to predict the impact of this variant on TEK protein function. In summary, the available evidence is currently insufficient to determine the role of this variant in disease. Therefore, it has been classified as a Variant of Uncertain Significance.